The following continues an entry in ClinVar:

NM_000059.4(BRCA2):c.9976A>T (p.Lys3326Ter)

Gene: BRCA2. ClinVar aggregate classification (germline): Benign. Benign (1).

Submissions 19 to 45 of 53:

CHEO Genetics Diagnostic Laboratory, Children's Hospital of Eastern Ontario
Classification: Likely benign for Breast and/or ovarian cancer. Last evaluated: 2017-12-19. Review status: criteria provided, single submitter. Criteria: ACMG Guidelines, 2015. Collection method: clinical testing. Allele origin: germline. Not counted in ClinVar's aggregate classification.

GeneKor MSA
Classification: Benign. Last evaluated: 2017-11-01. Review status: criteria provided, single submitter. Criteria: ACMG Guidelines, 2015. Collection method: clinical testing. Allele origin: germline. Affected: yes. Not counted in ClinVar's aggregate classification.

Department of Pathology and Molecular Medicine, Queen's University
Classification: Benign. Last evaluated: 2017-04-20. Review status: criteria provided, single submitter. Criteria: ACMG Guidelines, 2015. Collection method: clinical testing. Allele origin: germline. Study: The Canadian Open Genetics Repository (COGR). Not counted in ClinVar's aggregate classification.

Cancer Genetics and Genomics Laboratory, British Columbia Cancer Agency
Classification: Benign. Last evaluated: 2017-04-18. Review status: criteria provided, single submitter. Criteria: ACMG Guidelines, 2015. Collection method: clinical testing. Allele origin: germline. Study: The Canadian Open Genetics Repository (COGR). Not counted in ClinVar's aggregate classification.

Center for Pediatric Genomic Medicine, Children's Mercy Hospital and Clinics
Classification: Benign. Last evaluated: 2016-12-27. Review status: criteria provided, single submitter. Criteria: ACMG Guidelines, 2015. Collection method: clinical testing. Allele origin: germline. Not counted in ClinVar's aggregate classification.

Women's Health and Genetics/Laboratory Corporation of America, LabCorp
Classification: Benign. Last evaluated: 2016-08-12. Review status: criteria provided, single submitter. Criteria: LabCorp Variant Classification Summary - May 2015. Collection method: clinical testing. Allele origin: germline. Not counted in ClinVar's aggregate classification.
Comment: Variant summary: The BRCA2 c.9976A>T (p.Lys3326X) variant results in a termination codon at the penultimate exon, predicted to cause a truncation of the last 93 amino acids. This variant is not expected to affect any known domain (InterPro) and no truncations downstream of this position have been reported to be pathogenic in literature and databases. This variant was found in 2327/296226 control chromosomes (including 8 homozygotes) at a frequency of 0.0078555, which is approximately 10 times the estimated maximal expected allele frequency of a pathogenic BRCA2 variant (0.0007503), suggesting this variant is likely a benign polymorphism. In addition, several clinical diagnostic laboratories/reputable databases have classified this variant as benign (14)/likely benign (1). Available family, co-occurrence and functional data also show that it is not a disease causing variant. Despite these, this variant is found at considerably high frequency, especially in patients with breast and/or ovarian cancer, raising a possibilty that it may be a risk variant. Using weighted logistic regression, Meeks et al 2016 analyzed data from the large iCOGS study including 76637 cancer case patients and 83796 control patients to estimate odds ratios (ORw) and 95% confidence intervals (CIs) for K3326X variant carriers in relation to breast, ovarian, and prostate cancer risks, with weights defined as probability of not having a pathogenic BRCA2 variant. Other adjustments in the study were adjustment for attained age, consortium study site, and principal components of population structure. From the study, weighted ORs for invasive breast cancer and ovarian cancers were 1.28 (confidence interval 1.17-1.4; P-value=3.84x10e-3) and 1.26 (confidence interval 1.1-1.43; P-value=3.84x10e-3), respectively. The authors conclude that this study provides evidence that the K3326X variant is associated with risk of developing breast and ovarian cancers independent of other pathogenic variants in BRCA2. Hence this variant is a risk allele which attributes a significant but a low risk in development of breast or ovarian cancer. In addition, other genetic/lifestyle/environmental factors may also be playing a part in elevation of risk. Taken together, this variant is classified as Benign for HBOC.

Fulgent Genetics
Classification: Benign for Breast-ovarian cancer, familial, susceptibility to, 2. Last evaluated: 2016-02-22. Review status: criteria provided, single submitter. Criteria: ACMG Guidelines, 2015. Collection method: clinical testing. Allele origin: unknown. Not counted in ClinVar's aggregate classification.

Eurofins Ntd Llc (ga)
Classification: Benign. Last evaluated: 2015-10-13. Review status: criteria provided, single submitter. Criteria: EGL Classification Definitions 2015. Collection method: clinical testing. Allele origin: germline. Observed: 8 variant alleles, 8 heterozygotes. Not counted in ClinVar's aggregate classification.

Clinical Genetics DNA and cytogenetics Diagnostics Lab, Erasmus MC, Erasmus Medical Center
Classification: Benign for Breast-ovarian cancer, familial, susceptibility to, 2. Last evaluated: 2015-09-21. Review status: criteria provided, single submitter. Criteria: ACGS Guidelines, 2013. Collection method: clinical testing. Allele origin: germline. Affected: yes. Study: VKGL Data-share Consensus. Not counted in ClinVar's aggregate classification.

Genomic Diagnostic Laboratory, Division of Genomic Diagnostics, Children's Hospital of Philadelphia
Classification: Benign for Hereditary Breast and Ovarian Cancer. Last evaluated: 2015-07-09. Review status: criteria provided, single submitter. Criteria: DGD Variant Analysis Guidelines. Collection method: clinical testing. Allele origin: unknown. Not counted in ClinVar's aggregate classification.

CSER _CC_NCGL, University of Washington
Classification: Benign for Hereditary Breast and Ovarian Cancer Syndrome. Last evaluated: 2015-03-11. Review status: criteria provided, single submitter. Criteria: Amendola et al. (Genome Res. 2015). Collection method: research. Allele origin: germline. Inheritance: Autosomal dominant inheritance. Study: CSER - NEXT Medicine variant annotation. Not counted in ClinVar's aggregate classification.

Ambry Genetics
Classification: Benign for Hereditary cancer-predisposing syndrome. Last evaluated: 2014-11-19. Review status: criteria provided, single submitter. Criteria: Ambry Variant Classification Scheme 2023. Collection method: clinical testing. Allele origin: germline. Not counted in ClinVar's aggregate classification.

Color Diagnostics, LLC DBA Color Health
Classification: Benign for Hereditary cancer-predisposing syndrome. Last evaluated: 2014-11-19. Review status: criteria provided, single submitter. Criteria: ACMG Guidelines, 2015. Collection method: clinical testing. Allele origin: germline. Not counted in ClinVar's aggregate classification.

Molecular Genetics Laboratory, University of Michigan
Classification: Benign for Breast-ovarian cancer, familial, susceptibility to, 2. Last evaluated: 2014-11-03. Review status: criteria provided, single submitter. Criteria: ACMG Guidelines, 2015. Collection method: clinical testing. Allele origin: germline. Affected: yes. Not counted in ClinVar's aggregate classification.

Genome Diagnostics Laboratory, University Medical Center Utrecht
Classification: Benign for Breast-ovarian cancer, familial, susceptibility to, 2. Last evaluated: 2014-10-09. Review status: criteria provided, single submitter. Criteria: ACGS Guidelines, 2013. Collection method: clinical testing. Allele origin: germline. Affected: yes. Study: VKGL Data-share Consensus. Not counted in ClinVar's aggregate classification.

Breakthrough Genomics
Classification: Benign. Review status: criteria provided, single submitter. Criteria: ACMG Guidelines, 2015. Collection method: not provided. Allele origin: germline. Inheritance: Autosomal recessive inheritance. Affected: yes. Not counted in ClinVar's aggregate classification.

PreventionGenetics, part of Exact Sciences
Classification: Benign. Review status: criteria provided, single submitter. Criteria: ACMG Guidelines, 2015. Collection method: clinical testing. Allele origin: germline. Not counted in ClinVar's aggregate classification.

Center of Medical Genetics and Primary Health Care
Classification: Benign for Breast Cancer. Last evaluated: 2020-04-08. Review status: no assertion criteria provided. Collection method: research. Allele origin: germline. Affected: yes. Observed: 1 heterozygote. Not counted in ClinVar's aggregate classification.
Comment: ACMG Guidelines 2015 criteria

True Health Diagnostics
Classification: Benign for Hereditary cancer-predisposing syndrome. Last evaluated: 2018-02-20. Review status: no assertion criteria provided. Collection method: clinical testing. Allele origin: germline. Not counted in ClinVar's aggregate classification.

Mayo Clinic Laboratories, Mayo Clinic
Classification: Likely benign. Last evaluated: 2017-02-02. Review status: no assertion criteria provided. Collection method: clinical testing. Allele origin: unknown. Not counted in ClinVar's aggregate classification.

Pathway Genomics
Classification: Likely benign for hereditary breast and ovarian cancer, BROVCA2. Last evaluated: 2014-07-24. Review status: no assertion criteria provided. Collection method: literature only. Allele origin: germline. Not counted in ClinVar's aggregate classification.

Research Molecular Genetics Laboratory, Women's College Hospital, University of Toronto
Classification: Benign. Last evaluated: 2014-01-31. Review status: no assertion criteria provided. Collection method: research. Allele origin: germline. Affected: yes. Study: The Canadian Open Genetics Repository (COGR). Not counted in ClinVar's aggregate classification.

Counsyl
Classification: Benign for Breast-ovarian cancer, familial 2. Last evaluated: 2014-01-02. Review status: no assertion criteria provided. Collection method: literature only. Allele origin: unknown. Inheritance: Autosomal dominant inheritance. Not counted in ClinVar's aggregate classification.

ITMI
No classification provided. Condition: AllHighlyPenetrant. Last evaluated: 2013-09-19. Review status: no classification provided. Collection method: reference population. Allele origin: germline. Not counted in ClinVar's aggregate classification.
Comment: Please see associated publication for description of ethnicities

Foulkes Cancer Genetics LDI, Lady Davis Institute for Medical Research
Classification: Likely benign for Breast and/or ovarian cancer. Last evaluated: 2013-08-02. Review status: no assertion criteria provided. Collection method: clinical testing. Allele origin: germline. Study: The Canadian Open Genetics Repository (COGR). Not counted in ClinVar's aggregate classification.

Biesecker Lab/Clinical Genomics Section, National Institutes of Health
Classification: Benign. Last evaluated: 2012-07-13. Review status: no assertion criteria provided. Collection method: research. Allele origin: germline. Affected: no. Observed: 5 variant alleles. Study: ClinSeq. Not counted in ClinVar's aggregate classification.
ClinVar note: Converted during submission from no known pathogenicity to Benign.

Sharing Clinical Reports Project (SCRP)
Classification: Benign for Breast-ovarian cancer, familial 2. Last evaluated: 2012-05-01. Review status: no assertion criteria provided. Collection method: clinical testing. Allele origin: germline. Not counted in ClinVar's aggregate classification.